The following is an entry in ClinVar:

NM_001035.3(RYR2):c.13254A>T (p.Lys4418Asn)

Genes: RYR2 (ryanodine receptor 2; plus strand), LOC126806068 (BRD4-independent group 4 enhancer GRCh37_chr1:237947411-237948610; plus strand). Cytogenetic location: 1q43.
Variant type: single nucleotide variant.
Coding change: c.13254A>T on transcript NM_001035.3 (MANE Select); coding-DNA position 13254, A replaced by T.
Protein change: p.Lys4418Asn; replaces lysine 4418 with asparagine.
Molecular consequence: missense variant.
Genome position (GRCh38, 1-based): chr1:237,784,966, A>T. VCF-style: chr1-237784966-A-T. GRCh37 (hg19) VCF-style: chr1-237948266-A-T.
Other names: c.13254A>T (NM_001035.2); short protein forms K4418N.
Identifiers: ClinVar variation 926059 (VCV000926059.16), dbSNP rs934659622, ClinGen allele CA39828341.
Genomic context (GRCh38, chr1:237,784,966, plus strand): 5'-AAATGCTGGGCTCAGTGACCTCATGAGCAACCCAGTCCCCATGCCTGAGGTGCAGGAAAA[A>T]TTTCAGGTAATTTATCTCTAAGTCACAGCAGCATTCTCTCTGGACTTCAGGTGGGTATAA-3'
Protein context (NP_001026.2, residues 4408-4428): NPVPMPEVQE[Lys4418Asn]FQEQKAKEEE

ClinVar aggregate classification (germline): Uncertain significance. Review status: criteria provided, multiple submitters, no conflicts (2 of 4 stars). 5 submissions from 5 submitters: Uncertain significance (5). Last evaluated 2025-11-06.

Conditions:
Catecholaminergic polymorphic ventricular tachycardia 1. Also called: VENTRICULAR TACHYCARDIA, CATECHOLAMINERGIC POLYMORPHIC, 1, WITH OR WITHOUT ATRIAL DYSFUNCTION AND/OR DILATED CARDIOMYOPATHY; VENTRICULAR TACHYCARDIA, STRESS-INDUCED POLYMORPHIC 1; RYR2-Related Catecholaminergic Polymorphic Ventricular Tachycardia. Identifiers: Orphanet 3286, MedGen C1631597, MONDO:0011484, OMIM 604772.
Cardiomyopathy (CMYO). Also called: Cardiomyopathies. Identifiers: Orphanet 167848, MedGen C0878544, MONDO:0004994, HP:0001638. Inheritance: Various modes of inheritance.
Cardiovascular phenotype. Identifiers: MedGen CN230736.
Catecholaminergic polymorphic ventricular tachycardia (CVPT). Also called: Catecholamine-induced polymorphic ventricular tachycardia. Identifiers: Orphanet 3286, MedGen C5574922, MONDO:0017990.

Allele frequency attached by ClinVar (database versions not stated): gnomAD exomes 0.00001; TOPMed 0.00002; gnomAD 0.00003 and 0.00004.
gnomAD v4.1: 15 of 1,575,652 alleles (0.00095%); highest among the groups gnomAD compares: African/African-American, 0.0013%; no homozygotes.

Submissions (5):

Ambry Genetics
Classification: Uncertain significance for Cardiovascular phenotype. Last evaluated: 2025-11-06. Review status: criteria provided, single submitter. Criteria: Ambry Variant Classification Scheme 2023. Collection method: clinical testing. Allele origin: germline.
Comment: The p.K4418N variant (also known as c.13254A>T), located in coding exon 90 of the RYR2 gene, results from an A to T substitution at nucleotide position 13254. The lysine at codon 4418 is replaced by asparagine, an amino acid with similar properties. This amino acid position is well conserved in available vertebrate species. In addition, this alteration is predicted to be tolerated by in silico analysis. Based on the available evidence, the clinical significance of this variant remains unclear.

Labcorp Genetics (formerly Invitae), Labcorp
Classification: Uncertain significance for Catecholaminergic polymorphic ventricular tachycardia 1. Last evaluated: 2025-09-05. Review status: criteria provided, single submitter. Criteria: Invitae Variant Classification Sherloc (09022015). Collection method: clinical testing. Allele origin: germline.
Comment: This sequence change replaces lysine, which is basic and polar, with asparagine, which is neutral and polar, at codon 4418 of the RYR2 protein (p.Lys4418Asn). The frequency data for this variant in the population databases is considered unreliable, as metrics indicate poor data quality at this position in the gnomAD database. This variant has not been reported in the literature in individuals affected with RYR2-related conditions. ClinVar contains an entry for this variant (Variation ID: 926059). Invitae Evidence Modeling of protein sequence and biophysical properties (such as structural, functional, and spatial information, amino acid conservation, physicochemical variation, residue mobility, and thermodynamic stability) indicates that this missense variant is not expected to disrupt RYR2 protein function with a negative predictive value of 95%. In summary, the available evidence is currently insufficient to determine the role of this variant in disease. Therefore, it has been classified as a Variant of Uncertain Significance.

All of Us Research Program, National Institutes of Health
Classification: Uncertain significance for Catecholaminergic polymorphic ventricular tachycardia. Last evaluated: 2024-04-16. Review status: criteria provided, single submitter. Criteria: ACMG Guidelines, 2015. Collection method: clinical testing. Allele origin: germline. Inheritance: Autosomal dominant inheritance. Observed: 3 variant alleles, 3 heterozygotes.
Comment: Variant of Uncertain Significance due to insufficient evidence: This missense variant replaces lysine with asparagine at codon 4418 of the RYR2 protein. Computational prediction tools and conservation analyses are inconclusive regarding the impact of this variant on the protein function. Computational splicing tools suggest that this variant may not impact RNA splicing. To our knowledge, functional assays have not been performed for this variant nor has this variant been reported in individuals affected with cardiovascular disorders in the literature. This variant is rare in the general population and has been identified in 0/277264 chromosomes by the Genome Aggregation Database (gnomAD). Available evidence is insufficient to determine the role of this variant in disease conclusively.

This study involves interpretation of variants in research participants for the purpose of population health screening. Participant phenotype was not available at the time of variant classification. Additional details can be found in publication PMID: 35346344, PMCID: PMC8962531

GeneDx
Classification: Uncertain significance. Last evaluated: 2024-03-28. Review status: criteria provided, single submitter. Criteria: GeneDx Variant Classification Process June 2021. Collection method: clinical testing. Allele origin: germline. Affected: yes.
Comment: Has not been previously published as pathogenic or benign to our knowledge; Not observed at significant frequency in large population cohorts (gnomAD); In silico analysis supports that this missense variant has a deleterious effect on protein structure/function; Located in one of the three hot-spot regions of the RYR2 gene, where the majority of pathogenic missense variants occur (PMID: 19926015); This variant is associated with the following publications: (PMID: 19926015)

Color Diagnostics, LLC DBA Color Health
Classification: Uncertain significance for Cardiomyopathy. Last evaluated: 2024-03-06. Review status: criteria provided, single submitter. Criteria: ACMG Guidelines, 2015. Collection method: clinical testing. Allele origin: germline.
Comment: This missense variant replaces lysine with asparagine at codon 4418 of the RYR2 protein. Computational prediction tools indicate that this variant has a neutral impact on protein structure and function. To our knowledge, functional studies have not been reported for this variant. This variant has not been reported in individuals affected with RYR2-related disorders in the literature. This variant has been identified in 2/216998 chromosomes in the general population by the Genome Aggregation Database (gnomAD). The available evidence is insufficient to determine the role of this variant in disease conclusively. Therefore, this variant is classified as a Variant of Uncertain Significance.